The following is an entry in ClinVar:

ClinVar aggregate classification (germline): Uncertain significance. Review status: criteria provided, multiple submitters, no conflicts (2 of 4 stars). 4 submissions from 4 submitters: Uncertain significance (4). Last evaluated 2022-05-28.

Conditions:
Nephronophthisis. Also called: Juvenile Nephronophthisis. Identifiers: Orphanet 655, MedGen C0687120, MONDO:0019005, HP:0000090.
Joubert syndrome with renal defect. Also called: JOUBERT SYNDROME 4. Identifiers: Orphanet 220497, MedGen C1846790, MONDO:0012308, OMIM 609583.
Senior-Loken syndrome 1 (SLSN1). Also called: JUVENILE NEPHRONOPHTHISIS WITH LEBER AMAUROSIS. Identifiers: Orphanet 3156, MedGen C4551559, MONDO:0009962, OMIM 266900.
Nephronophthisis 1 (NPHP1). Also called: Nephronophthisis familial juvenile. Identifiers: Orphanet 655, Orphanet 93592, MedGen C1855681, MONDO:0009728, OMIM 256100.

Allele frequency attached by ClinVar (database versions not stated): gnomAD exomes 0.00001; ExAC 0.00002; gnomAD 0.00004; TOPMed 0.00005; ESP Exome Variant Server 0.00008.
gnomAD v4.1: 11 of 1,607,120 alleles (0.00068%); highest among the groups gnomAD compares: African/African-American, 0.013%; no homozygotes.

Submissions (4):

Labcorp Genetics (formerly Invitae), Labcorp
Classification: Uncertain significance for Nephronophthisis. Last evaluated: 2022-05-28. Review status: criteria provided, single submitter. Criteria: Invitae Variant Classification Sherloc (09022015). Collection method: clinical testing. Allele origin: germline.
Comment: This sequence change replaces alanine, which is neutral and non-polar, with glycine, which is neutral and non-polar, at codon 370 of the NPHP1 protein (p.Ala370Gly). This variant is present in population databases (rs375317119, gnomAD 0.01%). This variant has not been reported in the literature in individuals affected with NPHP1-related conditions. ClinVar contains an entry for this variant (Variation ID: 193568). Algorithms developed to predict the effect of missense changes on protein structure and function (SIFT, PolyPhen-2, Align-GVGD) all suggest that this variant is likely to be tolerated. In summary, the available evidence is currently insufficient to determine the role of this variant in disease. Therefore, it has been classified as a Variant of Uncertain Significance.

Fulgent Genetics
Classification: Uncertain significance for Nephronophthisis 1; Senior-Loken syndrome 1; Joubert syndrome with renal defect. Last evaluated: 2021-10-28. Review status: criteria provided, single submitter. Criteria: ACMG Guidelines, 2015. Collection method: clinical testing. Allele origin: unknown.

GeneDx
Classification: Uncertain significance. Last evaluated: 2019-06-06. Review status: criteria provided, single submitter. Criteria: GeneDx Variant Classification Process June 2021. Collection method: clinical testing. Allele origin: germline. Affected: yes.
Comment: Not observed at a significant frequency in large population cohorts (Lek et al., 2016); In silico analysis, which includes protein predictors and evolutionary conservation, supports that this variant does not alter protein structure/function; Has not been previously published as pathogenic or benign to our knowledge

Eurofins Ntd Llc (ga)
Classification: Uncertain significance. Last evaluated: 2014-09-03. Review status: criteria provided, single submitter. Criteria: EGL Classification Definitions 2015. Collection method: clinical testing. Allele origin: germline. Observed: 1 variant allele, 1 heterozygote.

NM_001128178.3(NPHP1):c.941C>G (p.Ala314Gly)

Gene: NPHP1 (nephrocystin 1; minus strand). Cytogenetic location: 2q13.
Variant type: single nucleotide variant.
Coding change: c.941C>G on transcript NM_001128178.3 (MANE Select); coding-DNA position 941, C replaced by G.
Protein change: p.Ala314Gly; replaces alanine 314 with glycine.
Molecular consequence: missense variant.
Genome position (GRCh38, 1-based): chr2:110,161,616, G>C on the plus strand (C>G on the coding strand, the complement: NPHP1 is on the minus strand). VCF-style: chr2-110161616-G-C. GRCh37 (hg19) VCF-style: chr2-110919193-G-C.
Other names: c.1109C>G, p.Ala370Gly (NM_000272.5); c.752C>G, p.Ala251Gly (NM_001128179.3); c.938C>G, p.Ala313Gly (NM_001374256.1); c.941C>G, p.Ala314Gly (NM_001374257.1); c.1106C>G, p.Ala369Gly (NM_207181.4); short protein forms A370G, A251G, A369G, A314G, A313G.
Identifiers: ClinVar variation 193568 (VCV000193568.9), dbSNP rs375317119, ClinGen allele CA239096.